The following is an entry in ClinVar:

ClinVar aggregate classification (germline): Benign. Review status: reviewed by expert panel (3 of 4 stars). 14 submissions from 14 submitters: Benign (1). 13 of the submissions do not count toward it. Last evaluated 2017-05-09.

Conditions:
Noonan syndrome and Noonan-related syndrome. Identifiers: Orphanet 98733, MedGen C5681679, MONDO:0020297.
Cardiovascular phenotype. Identifiers: MedGen CN230736.
RASopathy. Also called: rasopathies; Noonan spectrum disorder. Identifiers: Orphanet 536391, MedGen C5555857, MONDO:0021060.

Allele frequency attached by ClinVar (database versions not stated): gnomAD exomes 0.00060 and 0.00067; 1000 Genomes Project 0.00040; ESP Exome Variant Server 0.00046; 1000 Genomes Project 30x 0.00047; gnomAD 0.00058 and 0.00061; ExAC 0.00062; TOPMed 0.00065.
gnomAD v4.1: 972 of 1,614,214 alleles (0.06%); highest among the groups gnomAD compares: Non-Finnish European, 0.074%; 1 homozygote.

Submissions (14):

ClinGen RASopathy Variant Curation Expert Panel
Classification: Benign for Noonan syndrome and Noonan-related syndrome. Last evaluated: 2017-05-09. Review status: reviewed by expert panel. Criteria: ClinGen RASopathy ACMG Specifications v1. Collection method: curation. Allele origin: germline. Inheritance: Autosomal dominant inheritance.
Comment: The filtering allele frequency of the c.315C>T (p.Pro105=) variant in the MAP2K1 gene is 0.01% (64/66728) of European chromosomes by the Exome Aggregation Consortium, which is a high enough frequency to be classified as benign based on thresholds defined by the ClinGen RASopathy Expert Panel (BA1; PMID:29493581)

CeGaT Center for Human Genetics Tuebingen
Classification: Likely benign. Last evaluated: 2026-08-01. Review status: criteria provided, single submitter. Criteria: CeGaT Center For Human Genetics Tuebingen Variant Classification Criteria Version 2. Collection method: clinical testing. Allele origin: germline. Affected: yes. Observed: 20 variant alleles. Not counted in ClinVar's aggregate classification.
Comment: MAP2K1: BP4, BP7

Labcorp Genetics (formerly Invitae), Labcorp
Classification: Benign for RASopathy. Last evaluated: 2026-01-28. Review status: criteria provided, single submitter. Criteria: Invitae Variant Classification Sherloc (09022015). Collection method: clinical testing. Allele origin: germline. Not counted in ClinVar's aggregate classification.

Mayo Clinic Laboratories, Mayo Clinic
Classification: Benign. Last evaluated: 2025-06-24. Review status: criteria provided, single submitter. Criteria: ACMG Guidelines, 2015. Collection method: clinical testing. Allele origin: germline. Observed: 1 variant allele. Not counted in ClinVar's aggregate classification.
Comment: BA1, BP4, BP7

Laboratory of Genetics, Children's Clinical University Hospital Latvia
Classification: Likely benign. Last evaluated: 2025-02-16. Review status: criteria provided, single submitter. Criteria: ACMG Guidelines, 2015. Collection method: clinical testing. Allele origin: germline. Affected: yes. Not counted in ClinVar's aggregate classification.

ARUP Laboratories, Molecular Genetics and Genomics, ARUP Laboratories
Classification: Benign. Last evaluated: 2025-01-27. Review status: criteria provided, single submitter. Criteria: ARUP Molecular Germline Variant Investigation Process 2024. Collection method: clinical testing. Allele origin: germline. Not counted in ClinVar's aggregate classification.

Blueprint Genetics
Classification: Likely benign. Last evaluated: 2024-11-26. Review status: criteria provided, single submitter. Criteria: ACMG Guidelines, 2015. Collection method: clinical testing. Allele origin: germline. Not counted in ClinVar's aggregate classification.

Ambry Genetics
Classification: Likely benign for Cardiovascular phenotype. Last evaluated: 2022-02-21. Review status: criteria provided, single submitter. Criteria: Ambry Variant Classification Scheme 2023. Collection method: clinical testing. Allele origin: germline. Not counted in ClinVar's aggregate classification.

Genome Diagnostics Laboratory, The Hospital for Sick Children
Classification: Benign for Noonan syndrome and Noonan-related syndrome. Last evaluated: 2021-04-01. Review status: criteria provided, single submitter. Criteria: ACMG Guidelines, 2015. Collection method: clinical testing. Allele origin: germline. Not counted in ClinVar's aggregate classification.

Laboratory for Molecular Medicine, Mass General Brigham Personalized Medicine
Classification: Likely benign. Last evaluated: 2016-11-23. Review status: criteria provided, single submitter. Criteria: LMM Criteria. Collection method: clinical testing. Allele origin: germline. Observed: 5 variant alleles. Not counted in ClinVar's aggregate classification.
Comment: p.Pro105Pro in exon 3 in MAP2K1: This variant is not expected to have clinical s ignificance because it does not alter an amino acid residue and it is not locate d within the splice consensus sequence. It has been identified in 0.1% (64/66728 ) of European chromosomes by the Exome Aggregation Consortium (ExAC .; dbSNP rs144166521).

GeneDx
Classification: Benign. Last evaluated: 2013-08-28. Review status: criteria provided, single submitter. Criteria: GeneDx Variant Classification (06012015). Collection method: clinical testing. Allele origin: germline. Affected: yes. Not counted in ClinVar's aggregate classification.
Comment: This variant is considered likely benign or benign based on one or more of the following criteria: it is a conservative change, it occurs at a poorly conserved position in the protein, it is predicted to be benign by multiple in silico algorithms, and/or has population frequency not consistent with disease.

PreventionGenetics, part of Exact Sciences
Classification: Likely benign. Review status: criteria provided, single submitter. Criteria: ACMG Guidelines, 2015. Collection method: clinical testing. Allele origin: germline. Not counted in ClinVar's aggregate classification.

Clinical Genetics DNA and cytogenetics Diagnostics Lab, Erasmus MC, Erasmus Medical Center
Classification: Likely benign. Review status: no assertion criteria provided. Collection method: clinical testing. Allele origin: germline. Affected: yes. Study: VKGL Data-share Consensus. Not counted in ClinVar's aggregate classification.

Clinical Genetics, Academic Medical Center
Classification: Benign. Review status: no assertion criteria provided. Collection method: clinical testing. Allele origin: germline. Affected: yes. Study: VKGL Data-share Consensus. Not counted in ClinVar's aggregate classification.

NM_002755.4(MAP2K1):c.315C>T (p.Pro105=)

Gene: MAP2K1 (mitogen-activated protein kinase kinase 1; plus strand). Cytogenetic location: 15q22.31.
Variant type: single nucleotide variant.
Coding change: c.315C>T on transcript NM_002755.4 (MANE Select); coding-DNA position 315, C replaced by T.
Protein change: p.Pro105=; no amino-acid change (proline 105 retained).
Molecular consequence: synonymous variant.
Genome position (GRCh38, 1-based): chr15:66,436,769, C>T. VCF-style: chr15-66436769-C-T. GRCh37 (hg19) VCF-style: chr15-66729107-C-T.
Other names: p.P105P:CCC>CCT; NM_002755.3(MAP2K1):c.315C>T.
Identifiers: ClinVar variation 44589 (VCV000044589.51), dbSNP rs144166521, ClinGen allele CA134604.
Genomic context (GRCh38, chr15:66,436,769, plus strand): 5'-CTTTCATAAAACCTCTCTTTCTTCCACCTTTCTCCAGCTAATTCATCTGGAGATCAAACC[C>T]GCAATCCGGAACCAGATCATAAGGGAGCTGCAGGTTCTGCATGAGTGCAACTCTCCGTAC-3'
Protein context (NP_002746.1, residues 95-115): ARKLIHLEIK[Pro105=]AIRNQIIREL